The following is an entry in ClinVar:

NM_016151.4(TAOK2):c.3516G>T (p.Leu1172Phe)

Gene: TAOK2 (TAO kinase 2; plus strand). Cytogenetic location: 16p11.2.
Variant type: single nucleotide variant.
Coding change: c.3516G>T on transcript NM_016151.4 (MANE Select); coding-DNA position 3516, G replaced by T.
Protein change: p.Leu1172Phe; replaces leucine 1172 with phenylalanine.
Molecular consequence: missense variant. On other transcripts: intron variant (1).
Genome position (GRCh38, 1-based): chr16:29,987,788, G>T. VCF-style: chr16-29987788-G-T. GRCh37 (hg19) VCF-style: chr16-29999109-G-T.
Other names: c.3177G>T, p.Leu1059Phe (NM_001252043.2); c.2232+1284G>T (NM_004783.4); short protein forms L1172F, L1059F.
Identifiers: ClinVar variation 3658156 (VCV003658156.2).

ClinVar aggregate classification (germline): Uncertain significance (1 of 4 stars; one submission).

Submission:

Labcorp Genetics (formerly Invitae), Labcorp
Classification: Uncertain significance. Last evaluated: 2024-07-29. Review status: criteria provided, single submitter. Criteria: Invitae Variant Classification Sherloc (09022015). Collection method: clinical testing. Allele origin: germline.
Comment: This sequence change replaces leucine, which is neutral and non-polar, with phenylalanine, which is neutral and non-polar, at codon 1172 of the TAOK2 protein (p.Leu1172Phe). This variant is not present in population databases (gnomAD no frequency). This variant has not been reported in the literature in individuals affected with TAOK2-related conditions. An algorithm developed to predict the effect of missense changes on protein structure and function (PolyPhen-2) suggests that this variant is likely to be tolerated. In summary, the available evidence is currently insufficient to determine the role of this variant in disease. Therefore, it has been classified as a Variant of Uncertain Significance.